The following is an entry in ClinVar:

NM_152750.5(CDHR3):c.639T>C (p.Ser213=)

Gene: CDHR3 (cadherin related family member 3; plus strand). Cytogenetic location: 7q22.3.
Variant type: single nucleotide variant.
Coding change: c.639T>C on transcript NM_152750.5 (MANE Select); coding-DNA position 639, T replaced by C.
Protein change: p.Ser213=; no amino-acid change (serine 213 retained).
Molecular consequence: synonymous variant.
Genome position (GRCh38, 1-based): chr7:105,996,280, T>C. VCF-style: chr7-105996280-T-C. GRCh37 (hg19) VCF-style: chr7-105636726-T-C.
Other names: c.375T>C, p.Ser125= (NM_001301161.2).
Identifiers: ClinVar variation 2657920 (VCV002657920.24), dbSNP rs1489788568, ClinGen allele CA457067760.

ClinVar aggregate classification (germline): Likely benign (1 of 4 stars; one submission).

Allele frequency attached by ClinVar (database versions not stated): gnomAD exomes below 0.00001; TOPMed below 0.00001; gnomAD 0.00001.

Submission:

CeGaT Center for Human Genetics Tuebingen
Classification: Likely benign. Last evaluated: 2022-05-01. Review status: criteria provided, single submitter. Criteria: CeGaT Center For Human Genetics Tuebingen Variant Classification Criteria Version 2. Collection method: clinical testing. Allele origin: germline. Affected: yes. Observed: 1 variant allele.
Comment: CDHR3: BP4, BP7